The following is an entry in ClinVar:

NM_133459.4(CCBE1):c.775+171C>T

Gene: CCBE1 (collagen and calcium binding EGF domains 1; minus strand). Cytogenetic location: 18q21.32.
Variant type: single nucleotide variant.
Coding change: c.775+171C>T on transcript NM_133459.4 (MANE Select); 171 bases into the intron after coding-DNA position 775, C replaced by T.
Molecular consequence: intron variant.
Genome position (GRCh38, 1-based): chr18:59,447,812, G>A on the plus strand (C>T on the coding strand, the complement: CCBE1 is on the minus strand). VCF-style: chr18-59447812-G-A. GRCh37 (hg19) VCF-style: chr18-57115044-G-A.
Identifiers: ClinVar variation 1257956 (VCV001257956.4), dbSNP rs3809991, ClinGen allele CA14538189.

ClinVar aggregate classification (germline): Benign. Review status: criteria provided, multiple submitters, no conflicts (2 of 4 stars). 2 submissions from 2 submitters: Benign (2). Last evaluated 2024-01-24.

Allele frequency attached by ClinVar (database versions not stated): 1000 Genomes Project 0.24621; 1000 Genomes Project 30x 0.25094; gnomAD 0.27110 and 0.27434; TOPMed 0.27686.
gnomAD v4.1: 41,008 of 152,028 alleles (27%); highest among the groups gnomAD compares: African/African-American, 39%; 6,109 homozygotes.

Submissions (2):

Unidad de Genómica Garrahan, Hospital de Pediatría Garrahan
Classification: Benign. Last evaluated: 2024-01-24. Review status: criteria provided, single submitter. Criteria: ACMG Guidelines, 2015. Collection method: clinical testing. Allele origin: germline. Affected: no. Observed: 28 variant alleles.
Comment: This variant is classified as Benign based on local population frequency. This variant was detected in 29% of patients studied by a panel of primary immunodeficiencies. Number of patients: 28. Only high quality variants are reported.

GeneDx
Classification: Benign. Last evaluated: 2018-11-10. Review status: criteria provided, single submitter. Criteria: GeneDx Variant Classification Process June 2021. Collection method: clinical testing. Allele origin: germline. Affected: yes.